The following is an entry in ClinVar:

NM_001372106.1(DNAH10):c.12933dup (p.Ile4312fs)

Genes: DNAH10 (dynein axonemal heavy chain 10; plus strand), DNAH10OS (dynein axonemal heavy chain 10 opposite strand; minus strand). Cytogenetic location: 12q24.31.
Variant type: Duplication.
Coding change: c.12933dup on transcript NM_001372106.1 (MANE Select); coding-DNA position 12933, one base duplicated (T; older notation c.12933dupT).
Protein change: p.Ile4312fs; shifts the reading frame from isoleucine 4312.
Molecular consequence: frameshift variant.
Genome position (GRCh38, 1-based): chr12:123,931,652, T duplicated. VCF-style (leftmost placement, unchanged base first): chr12-123931651-G-GT. GRCh37 (hg19) VCF-style: chr12-124416198-G-GT.
Other names: c.12579dup, p.Ile4194fs (NM_207437.3); short protein forms I4194fs, I4312fs.
Identifiers: ClinVar variation 3364400 (VCV003364400.1).

ClinVar aggregate classification (germline): Uncertain significance (1 of 4 stars; one submission).

Submission:

GeneDx
Classification: Uncertain significance. Last evaluated: 2023-11-20. Review status: criteria provided, single submitter. Criteria: GeneDx Variant Classification Process June 2021. Collection method: clinical testing. Allele origin: germline. Affected: yes.
Comment: Not observed at significant frequency in large population cohorts (gnomAD); Frameshift variant predicted to result in protein truncation or nonsense mediated decay in a gene or region of a gene for which loss of function is not a well-established mechanism of disease; Has not been previously published as pathogenic or benign to our knowledge